The following is an entry in ClinVar:

ClinVar aggregate classification (germline): Pathogenic (1 of 4 stars; one submission).

Submission:

Labcorp Genetics (formerly Invitae), Labcorp
Classification: Pathogenic. Last evaluated: 2023-07-18. Review status: criteria provided, single submitter. Criteria: Invitae Variant Classification Sherloc (09022015). Collection method: clinical testing. Allele origin: germline.
Comment: This sequence change creates a premature translational stop signal (p.Ile198Metfs*4) in the SLC26A3 gene. It is expected to result in an absent or disrupted protein product. Loss-of-function variants in SLC26A3 are known to be pathogenic (PMID: 9718329, 21394828). This variant is not present in population databases (gnomAD no frequency). This variant has not been reported in the literature in individuals affected with SLC26A3-related conditions. For these reasons, this variant has been classified as Pathogenic.

Literature cited by the submitters: PubMed 9718329; PubMed 21394828.

NM_000111.3(SLC26A3):c.594del (p.Ile198fs)

Gene: SLC26A3 (solute carrier family 26 member 3; minus strand). Cytogenetic location: 7q22.3.
Variant type: Deletion.
Coding change: c.594del on transcript NM_000111.3 (MANE Select); coding-DNA position 594, one base deleted (T; older notation c.594delT).
Protein change: p.Ile198fs; shifts the reading frame from isoleucine 198.
Molecular consequence: frameshift variant.
Genome position (GRCh38, 1-based): chr7:107,789,665, A deleted on the plus strand (T on the coding strand, the reverse complement: SLC26A3 is on the minus strand); the first of 2 consecutive A bases (chr7:107,789,665-107,789,666); deleting either gives the same sequence. VCF-style (leftmost placement, unchanged base first): chr7-107789664-CA-C. GRCh37 (hg19) VCF-style: chr7-107430109-CA-C.
Other names: short protein forms I198fs.
Identifiers: ClinVar variation 2744753 (VCV002744753.3), dbSNP rs2535471415, ClinGen allele CA2697557525.